The following is an entry in ClinVar:

ClinVar aggregate classification (germline): Benign/Likely benign. Review status: criteria provided, multiple submitters, no conflicts (2 of 4 stars). 2 submissions from 2 submitters: Benign (1); Likely benign (1). Last evaluated 2024-03-05.

Conditions:
Familial adenomatous polyposis 1 (FAP1). Also called: FAMILIAL ADENOMATOUS POLYPOSIS 1, ATTENUATED; POLYPOSIS, ADENOMATOUS INTESTINAL. Identifiers: MedGen C2713442, MONDO:0021056, OMIM 175100. Disease mechanism: loss of function.

Submissions (2):

Myriad Genetics, Inc.
Classification: Benign for Familial adenomatous polyposis 1. Last evaluated: 2024-03-05. Review status: criteria provided, single submitter. Criteria: Myriad Autosomal Dominant, Autosomal Recessive and X-Linked Classification Criteria (2023). Collection method: clinical testing. Allele origin: unknown.
Comment: This variant is considered benign. This variant is intronic and is not expected to impact mRNA splicing.

Labcorp Genetics (formerly Invitae), Labcorp
Classification: Likely benign for Familial adenomatous polyposis 1. Last evaluated: 2022-07-19. Review status: criteria provided, single submitter. Criteria: Invitae Variant Classification Sherloc (09022015). Collection method: clinical testing. Allele origin: germline.

NM_000038.6(APC):c.1548+10_1548+11insCTTGT

Gene: APC (APC regulator of Wnt signaling pathway; plus strand). Cytogenetic location: 5q22.2.
Variant type: Insertion.
Coding change: c.1548+10_1548+11insCTTGT on transcript NM_000038.6 (MANE Select); bases 10 to 11 of the intron after coding-DNA position 1548, CTTGT inserted.
Molecular consequence: intron variant.
Genome position: GRCh38 VCF-style: chr5-112827256-T-TTCTTG. GRCh37 (hg19) VCF-style: chr5-112162953-T-TTCTTG.
Other names: c.1548+10_1548+11insCTTGT (NM_001354895.2, NM_001127510.3); c.1578+10_1578+11insCTTGT (NM_001354897.2); c.1275+10_1275+11insCTTGT (NM_001354902.2); c.1494+10_1494+11insCTTGT (NM_001127511.3); c.1473+10_1473+11insCTTGT (NM_001354898.2); c.1170+10_1170+11insCTTGT (NM_001354904.2); c.699+10_699+11insCTTGT (NM_001354906.2); c.1602+10_1602+11insCTTGT (NM_001354896.2); and 5 more.
Identifiers: ClinVar variation 2017705 (VCV002017705.5), dbSNP rs1763800247, ClinGen allele CA1573505830.